The following is an entry in ClinVar:

NM_001852.4(COL9A2):c.1970C>G (p.Pro657Arg)

Gene: COL9A2 (collagen type IX alpha 2 chain; minus strand). Cytogenetic location: 1p34.2.
Variant type: single nucleotide variant.
Coding change: c.1970C>G on transcript NM_001852.4 (MANE Select); coding-DNA position 1970, C replaced by G.
Protein change: p.Pro657Arg; replaces proline 657 with arginine.
Molecular consequence: missense variant.
Genome position (GRCh38, 1-based): chr1:40,301,282, G>C on the plus strand (C>G on the coding strand, the complement: COL9A2 is on the minus strand). VCF-style: chr1-40301282-G-C. GRCh37 (hg19) VCF-style: chr1-40766954-G-C.
Other names: short protein forms P657R.
Identifiers: ClinVar variation 1503763 (VCV001503763.8), dbSNP rs1643911204, ClinGen allele CA339873979.

ClinVar aggregate classification (germline): Uncertain significance (1 of 4 stars; one submission).

Allele frequency attached by ClinVar (database versions not stated): gnomAD 0.00001.
gnomAD v4.1: 1 of 1,613,572 alleles (0.000062%); highest among the groups gnomAD compares: Admixed American, 0.0017%; no homozygotes.

Submission:

Labcorp Genetics (formerly Invitae), Labcorp
Classification: Uncertain significance. Last evaluated: 2025-09-15. Review status: criteria provided, single submitter. Criteria: Invitae Variant Classification Sherloc (09022015). Collection method: clinical testing. Allele origin: germline.
Comment: This sequence change replaces proline, which is neutral and non-polar, with arginine, which is basic and polar, at codon 657 of the COL9A2 protein (p.Pro657Arg). This variant is not present in population databases (gnomAD no frequency). This variant has not been reported in the literature in individuals affected with COL9A2-related conditions. ClinVar contains an entry for this variant (Variation ID: 1503763). Invitae Evidence Modeling of protein sequence and biophysical properties (such as structural, functional, and spatial information, amino acid conservation, physicochemical variation, residue mobility, and thermodynamic stability) indicates that this missense variant is not expected to disrupt COL9A2 protein function with a negative predictive value of 95%. In summary, the available evidence is currently insufficient to determine the role of this variant in disease. Therefore, it has been classified as a Variant of Uncertain Significance.